The following is an entry in ClinVar:

NM_017780.4(CHD7):c.6679A>G (p.Thr2227Ala)

Gene: CHD7 (chromodomain helicase DNA binding protein 7; plus strand). Cytogenetic location: 8q12.2.
Variant type: single nucleotide variant.
Coding change: c.6679A>G on transcript NM_017780.4 (MANE Select); coding-DNA position 6679, A replaced by G.
Protein change: p.Thr2227Ala; replaces threonine 2227 with alanine.
Molecular consequence: missense variant. On other transcripts: intron variant (1).
Genome position (GRCh38, 1-based): chr8:60,853,404, A>G. VCF-style: chr8-60853404-A-G. GRCh37 (hg19) VCF-style: chr8-61765963-A-G.
Other names: c.1717-8825A>G (NM_001316690.1); short protein forms T2227A.
Identifiers: ClinVar variation 3266893 (VCV003266893.3).

ClinVar aggregate classification (germline): Conflicting classifications of pathogenicity. Review status: criteria provided, conflicting classifications (1 of 4 stars). 2 submissions from 2 submitters: Uncertain significance (1); Likely benign (1). Last evaluated 2025-11-20.

Conditions:
Inborn genetic diseases. Identifiers: MedGen C0950123, MeSH D030342.
CHARGE syndrome (CHARGE). Also called: Hittner Hirsch Kreh syndrome; CHARGE ASSOCIATION--COLOBOMA, HEART ANOMALY, CHOANAL ATRESIA, RETARDATION, GENITAL AND EAR ANOMALIES; Coloboma, heart anomaly, choanal atresia, retardation, genital and ear anomalies; CHARGE association; Hall-Hittner syndrome. Identifiers: Orphanet 138, MedGen C0265354, MONDO:0008965.

gnomAD v4.1: 2 of 1,530,074 alleles (0.00013%); highest among the groups gnomAD compares: Middle Eastern, 0.018%; no homozygotes.

Submissions (2):

Labcorp Genetics (formerly Invitae), Labcorp
Classification: Uncertain significance for CHARGE syndrome. Last evaluated: 2025-11-20. Review status: criteria provided, single submitter. Criteria: Invitae Variant Classification Sherloc (09022015). Collection method: clinical testing. Allele origin: germline.
Comment: This sequence change replaces threonine, which is neutral and polar, with alanine, which is neutral and non-polar, at codon 2227 of the CHD7 protein (p.Thr2227Ala). This variant is not present in population databases (gnomAD no frequency). This variant has not been reported in the literature in individuals affected with CHD7-related conditions. ClinVar contains an entry for this variant (Variation ID: 3266893). Invitae Evidence Modeling of protein sequence and biophysical properties (such as structural, functional, and spatial information, amino acid conservation, physicochemical variation, residue mobility, and thermodynamic stability) indicates that this missense variant is not expected to disrupt CHD7 protein function with a negative predictive value of 95%. In summary, the available evidence is currently insufficient to determine the role of this variant in disease. Therefore, it has been classified as a Variant of Uncertain Significance.

Ambry Genetics
Classification: Likely benign for Inborn genetic diseases. Last evaluated: 2024-05-06. Review status: criteria provided, single submitter. Criteria: Ambry Variant Classification Scheme 2023. Collection method: clinical testing. Allele origin: germline.